The following is an entry in ClinVar:

ClinVar aggregate classification (germline): Likely benign. Review status: criteria provided, single submitter (1 of 4 stars). 2 submissions from 2 submitters: Likely benign (1). 1 of the submissions does not count toward it. Last evaluated 2025-11-02.

Conditions:
PHIP-related disorder. Also called: PHIP-related condition; PHIP-related disorders.

gnomAD v4.1: 12 of 1,613,768 alleles (0.00074%); highest among the groups gnomAD compares: East Asian, 0.0045%; no homozygotes.

Submissions (2):

Labcorp Genetics (formerly Invitae), Labcorp
Classification: Likely benign. Last evaluated: 2025-11-02. Review status: criteria provided, single submitter. Criteria: Invitae Variant Classification Sherloc (09022015). Collection method: clinical testing. Allele origin: germline.

PreventionGenetics, part of Exact Sciences
Classification: Uncertain significance for PHIP-related condition. Last evaluated: 2024-01-16. Review status: no assertion criteria provided. Collection method: clinical testing. Allele origin: germline. Not counted in ClinVar's aggregate classification.
Comment: The PHIP c.5237T>C variant is predicted to result in the amino acid substitution p.Ile1746Thr. To our knowledge, this variant has not been reported in the literature. This variant is reported in 0.010% of alleles in individuals of East Asian descent in gnomAD. At this time, the clinical significance of this variant is uncertain due to the absence of conclusive functional and genetic evidence.

NM_017934.7(PHIP):c.5237T>C (p.Ile1746Thr)

Genes: IRAK1BP1 (interleukin 1 receptor associated kinase 1 binding protein 1; plus strand), PHIP (PHIP subunit of CUL4-Ring ligase complex; minus strand). Cytogenetic location: 6q14.1.
Variant type: single nucleotide variant.
Coding change: c.5237T>C on transcript NM_017934.7 (MANE Select); coding-DNA position 5237, T replaced by C.
Protein change: p.Ile1746Thr; replaces isoleucine 1746 with threonine.
Molecular consequence: missense variant.
Genome position (GRCh38, 1-based): chr6:78,940,922, A>G on the plus strand (T>C on the coding strand, the complement: PHIP is on the minus strand). VCF-style: chr6-78940922-A-G. GRCh37 (hg19) VCF-style: chr6-79650639-A-G.
Other names: short protein forms I1746T.
Identifiers: ClinVar variation 3350833 (VCV003350833.3).
Genomic context (GRCh38, chr6:78,940,922, plus strand): 5'-ATGTGGGGTTCAGAGCCTTTGAGTTCTTCAAACTCTTCTTCCTCATCTATAGGATCATCT[A>G]TCTTTTTTCGGTTACTTCTCCTTAACACTTTGACACTTGCAGGGACTAGGAGATCTGCAT-3'
Protein context (NP_060404.4, residues 1736-1756): KVLRRSNRKK[Ile1746Thr]DDPIDEEEEF